The following is an entry in ClinVar:

ClinVar aggregate classification (germline): Likely pathogenic (1 of 4 stars; one submission).

Conditions:
Alport syndrome. Also called: Hemorrhagic familial nephritis; Hemorrhagic hereditary nephritis; Congenital hereditary hematuria. Identifiers: Orphanet 63, MedGen C1567741, MONDO:0018965.

Submission:

Laboratorio de Genomica, Unidad de Medicina Traslacional, Hospital de Ninos R. Gutierrez
Classification: Likely pathogenic for Alport syndrome. Last evaluated: 2026-06-02. Review status: criteria provided, single submitter. Criteria: Institutional Variant Interpretation Framework ClinVar UMT Version 1. Collection method: clinical testing. Allele origin: germline. Affected: yes. Observed: 2 variant alleles.
Comment: The variant NM_000091.5:c.1558G>C located in exon 24 of COL4A3 is a guanine-to-cytosine substitution. This variant predicts an amino acid substitution of a glycine for an arginine at position 520 of the protein (NP_000082.2:p.(Gly520Arg)). It has no reported frequency in the consulted population databases (GnomAD, V4.1; PM2_supp), nor in variant databases (ClinVar, dbSNP). The patient's clinical phenotype is consistent with Alport Syndrome associated with variants in the COL4A3 gene (PP4). Bioinformatic tools suggest a deleterious effect of the variant on protein function (REVEL Score 0.98; PP3_mod). The variant produces a change in an amino acid residue where other missense variant classified as pathogenic have been previously reported (ClinVar variation ID: 830011, NM_000091.5(COL4A3):c.1559G>A (p.Gly520Asp); PM5).

NM_000091.5(COL4A3):c.1558G>C (p.Gly520Arg)

Genes: COL4A3 (collagen type IV alpha 3 chain; plus strand), MFF-DT (MFF divergent transcript; minus strand). Cytogenetic location: 2q36.3.
Variant type: single nucleotide variant.
Coding change: c.1558G>C on transcript NM_000091.5 (MANE Select); coding-DNA position 1558, G replaced by C.
Protein change: p.Gly520Arg; replaces glycine 520 with arginine.
Molecular consequence: missense variant.
Genome position (GRCh38, 1-based): chr2:227,269,963, G>C. VCF-style: chr2-227269963-G-C. GRCh37 (hg19) VCF-style: chr2-228134679-G-C.
Other names: NP_000082.2:p.(Gly520Arg); short protein forms G520R.
Identifiers: ClinVar variation 4856386 (VCV004856386.1).